The following is an entry in ClinVar:

ClinVar aggregate classification (germline): Likely benign. Review status: criteria provided, single submitter (1 of 4 stars). 2 submissions from 2 submitters: Likely benign (1). 1 of the submissions does not count toward it. Last evaluated 2024-05-26.

Conditions:
AHDC1-related disorder. Also called: AHDC1-related condition.

Allele frequency attached by ClinVar (database versions not stated): ExAC 0.00001; TOPMed 0.00003; gnomAD exomes 0.00004; gnomAD 0.00005.
gnomAD v4.1: 73 of 1,600,928 alleles (0.0046%); highest among the groups gnomAD compares: Non-Finnish European, 0.0054%; no homozygotes.

Submissions (2):

Labcorp Genetics (formerly Invitae), Labcorp
Classification: Likely benign. Last evaluated: 2024-05-26. Review status: criteria provided, single submitter. Criteria: Invitae Variant Classification Sherloc (09022015). Collection method: clinical testing. Allele origin: germline.

PreventionGenetics, part of Exact Sciences
Classification: Likely benign for AHDC1-related condition. Last evaluated: 2021-03-25. Review status: no assertion criteria provided. Collection method: clinical testing. Allele origin: germline. Not counted in ClinVar's aggregate classification.
Comment: This variant is classified as likely benign based on ACMG/AMP sequence variant interpretation guidelines (Richards et al. 2015 PMID: 25741868, with internal and published modifications).

NM_001371928.1(AHDC1):c.2127C>T (p.Ala709=)

Gene: AHDC1 (AT-hook DNA binding motif containing 1; minus strand). Cytogenetic location: 1p36.11.
Variant type: single nucleotide variant.
Coding change: c.2127C>T on transcript NM_001371928.1 (MANE Select); coding-DNA position 2127, C replaced by T.
Protein change: p.Ala709=; no amino-acid change (alanine 709 retained).
Molecular consequence: synonymous variant.
Genome position (GRCh38, 1-based): chr1:27,549,989, G>A on the plus strand (C>T on the coding strand, the complement: AHDC1 is on the minus strand). VCF-style: chr1-27549989-G-A. GRCh37 (hg19) VCF-style: chr1-27876500-G-A.
Other names: c.2127C>T, p.Ala709= (NM_001029882.3).
Identifiers: ClinVar variation 1904338 (VCV001904338.7), dbSNP rs775787811, ClinGen allele CA715834.